The following is an entry in ClinVar:

NM_000132.4(F8):c.1409C>G (p.Pro470Arg)

Gene: F8 (coagulation factor VIII; minus strand). Cytogenetic location: Xq28.
Variant type: single nucleotide variant.
Coding change: c.1409C>G on transcript NM_000132.4 (MANE Select); coding-DNA position 1409, C replaced by G.
Protein change: p.Pro470Arg; replaces proline 470 with arginine.
Molecular consequence: missense variant.
Genome position (GRCh38, 1-based): chrX:154,966,004, G>C on the plus strand (C>G on the coding strand, the complement: F8 is on the minus strand). VCF-style: chrX-154966004-G-C. GRCh37 (hg19) VCF-style: chrX-154194279-G-C.
Other names: short protein forms P470R.
Identifiers: ClinVar variation 3375249 (VCV003375249.1).

ClinVar aggregate classification (germline): Uncertain significance (1 of 4 stars; one submission).

Submission:

Women's Health and Genetics/Laboratory Corporation of America, LabCorp
Classification: Uncertain significance. Last evaluated: 2024-09-24. Review status: criteria provided, single submitter. Criteria: LabCorp Variant Classification Summary - May 2015. Collection method: clinical testing. Allele origin: germline.
Comment: Variant summary: F8 c.1409C>G (p.Pro470Arg) results in a non-conservative amino acid change located in the Multicopper oxidase-like, N-terminal domain (IPR011707) of the encoded protein sequence. Five of five in-silico tools predict a damaging effect of the variant on protein function. The variant was absent in 183119 control chromosomes (gnomAD). c.1409C>G has been reported in the literature in individuals affected with mild or moderate Factor VIII Deficiency (Hemophilia A; Liu_2002, Johnsen_2022). These data indicate that the variant may be associated with disease. To our knowledge, no experimental evidence demonstrating an impact on protein function has been reported. The following publications have been ascertained in the context of this evaluation (PMID: 11858487, 35770352). No submitters have cited clinical-significance assessments for this variant to ClinVar. Based on the evidence outlined above, the variant was classified as VUS-possibly pathogenic.

Literature cited by the submitters: PubMed 35770352; PubMed 11858487.